The following is an entry in ClinVar:

ClinVar aggregate classification (germline): Uncertain significance. Review status: criteria provided, multiple submitters, no conflicts (2 of 4 stars). 6 submissions from 6 submitters: Uncertain significance (5). 1 of the submissions does not count toward it. Last evaluated 2025-07-08.

Conditions:
Cardiovascular phenotype. Identifiers: MedGen CN230736.
Alstrom syndrome (ALMS). Identifiers: Orphanet 64, MedGen C0268425, MONDO:0008763, OMIM 203800.

Allele frequency attached by ClinVar (database versions not stated): gnomAD 0.00001 and 0.00004; TOPMed 0.00001; gnomAD exomes 0.00006 and 0.00009; ExAC 0.00056.
gnomAD v4.1: 47 of 867,892 alleles (0.0054%); highest among the groups gnomAD compares: South Asian, 0.05%; no homozygotes.

Submissions (6):

GeneDx
Classification: Uncertain significance. Last evaluated: 2025-07-08. Review status: criteria provided, single submitter. Criteria: GeneDx Variant Classification Process June 2021. Collection method: clinical testing. Allele origin: germline. Affected: yes.
Comment: In silico analysis supports that this missense variant has a deleterious effect on protein structure/function; Has not been previously published as pathogenic or benign to our knowledge

Blueprint Genetics
Classification: Uncertain significance. Last evaluated: 2023-12-19. Review status: criteria provided, single submitter. Criteria: ACMG Guidelines, 2015. Collection method: clinical testing. Allele origin: germline.

Labcorp Genetics (formerly Invitae), Labcorp
Classification: Uncertain significance for Alstrom syndrome. Last evaluated: 2022-07-26. Review status: criteria provided, single submitter. Criteria: Invitae Variant Classification Sherloc (09022015). Collection method: clinical testing. Allele origin: germline.
Comment: This sequence change replaces proline, which is neutral and non-polar, with serine, which is neutral and polar, at codon 9 of the ALMS1 protein (p.Pro9Ser). This variant is present in population databases (rs769538172, gnomAD 0.04%). This variant has not been reported in the literature in individuals affected with ALMS1-related conditions. ClinVar contains an entry for this variant (Variation ID: 641250). In summary, the available evidence is currently insufficient to determine the role of this variant in disease. Therefore, it has been classified as a Variant of Uncertain Significance.

Ambry Genetics
Classification: Uncertain significance for Cardiovascular phenotype. Last evaluated: 2022-06-21. Review status: criteria provided, single submitter. Criteria: Ambry Variant Classification Scheme 2023. Collection method: clinical testing. Allele origin: germline.
Comment: The p.P9S variant (also known as c.25C>T), located in coding exon 1 of the ALMS1 gene, results from a C to T substitution at nucleotide position 25. The proline at codon 9 is replaced by serine, an amino acid with similar properties. This amino acid position is highly conserved in available vertebrate species. In addition, the in silico prediction for this alteration is inconclusive. Since supporting evidence is limited at this time, the clinical significance of this alteration remains unclear.

Fulgent Genetics
Classification: Uncertain significance for Alstrom syndrome. Last evaluated: 2022-03-09. Review status: criteria provided, single submitter. Criteria: ACMG Guidelines, 2015. Collection method: clinical testing. Allele origin: unknown.

Natera, Inc.
Classification: Uncertain significance for Alstrom syndrome. Last evaluated: 2020-01-24. Review status: no assertion criteria provided. Collection method: clinical testing. Allele origin: germline. Not counted in ClinVar's aggregate classification.

NM_001378454.1(ALMS1):c.25C>T (p.Pro9Ser)

Gene: ALMS1 (ALMS1 centrosome and basal body associated protein; plus strand). Cytogenetic location: 2p13.1.
Variant type: single nucleotide variant.
Coding change: c.25C>T on transcript NM_001378454.1 (MANE Select); coding-DNA position 25, C replaced by T.
Protein change: p.Pro9Ser; replaces proline 9 with serine.
Molecular consequence: missense variant.
Genome position (GRCh38, 1-based): chr2:73,385,893, C>T. VCF-style: chr2-73385893-C-T. GRCh37 (hg19) VCF-style: chr2-73613021-C-T.
Other names: c.25C>T, p.Pro9Ser (NM_015120.4); short protein forms P9S.
Identifiers: ClinVar variation 641250 (VCV000641250.9), dbSNP rs769538172, ClinGen allele CA1712721.
Genomic context (GRCh38, chr2:73,385,893, plus strand): 5'-CTCCTCCTCCTCTGCCGCCCAGAGCGAGACACCAACATGGAGCCCGAGGATCTGCCATGG[C>T]CGGGCGAGCTGGAGGAGGAGGAGGAGGAGGAGGAGGAGGAGGAGGAGGAAGAGGAGGAGG-3'
Protein context (NP_001365383.1, residues 1-19): MEPEDLPW[Pro9Ser]GELEEEEEEE